The following is an entry in ClinVar:

ClinVar aggregate classification (germline): Uncertain significance (1 of 4 stars; one submission).

Submission:

Labcorp Genetics (formerly Invitae), Labcorp
Classification: Uncertain significance. Last evaluated: 2021-12-15. Review status: criteria provided, single submitter. Criteria: Invitae Variant Classification Sherloc (09022015). Collection method: clinical testing. Allele origin: germline.
Comment: In summary, the available evidence is currently insufficient to determine the role of this variant in disease. Therefore, it has been classified as a Variant of Uncertain Significance. Algorithms developed to predict the effect of sequence changes on RNA splicing suggest that this variant may create or strengthen a splice site. Algorithms developed to predict the effect of missense changes on protein structure and function are either unavailable or do not agree on the potential impact of this missense change (SIFT: "Deleterious"; PolyPhen-2: "Benign"; Align-GVGD: "Class C0"). This variant has not been reported in the literature in individuals affected with LAMA5-related conditions. This variant is not present in population databases (gnomAD no frequency). This sequence change replaces aspartic acid, which is acidic and polar, with glycine, which is neutral and non-polar, at codon 1734 of the LAMA5 protein (p.Asp1734Gly).

NM_005560.6(LAMA5):c.5201A>G (p.Asp1734Gly)

Gene: LAMA5 (laminin subunit alpha 5; minus strand). Cytogenetic location: 20q13.33.
Variant type: single nucleotide variant.
Coding change: c.5201A>G on transcript NM_005560.6 (MANE Select); coding-DNA position 5201, A replaced by G.
Protein change: p.Asp1734Gly; replaces aspartic acid 1734 with glycine.
Molecular consequence: missense variant.
Genome position (GRCh38, 1-based): chr20:62,326,878, T>C on the plus strand (A>G on the coding strand, the complement: LAMA5 is on the minus strand). VCF-style: chr20-62326878-T-C. GRCh37 (hg19) VCF-style: chr20-60901934-T-C.
Other names: short protein forms D1734G.
Identifiers: ClinVar variation 2043801 (VCV002043801.4), dbSNP rs2516051560, ClinGen allele CA409564139.
Genomic context (GRCh38, chr20:62,326,878, plus strand): 5'-CGCCACGCCCACCCAACCACCCTGCCACATCATCTCAGCTCCCTCACCTGCAGCACCACA[T>C]CCGGCCTGCTCTCCATGGGGACAAAGACATCTCCCCGCTGGGTCTCTGAGTGCAGTTCAT-3'
Protein context (NP_005551.3, residues 1724-1744): DVFVPMESRP[Asp1734Gly]VVLQGNQMSI